The following is an entry in ClinVar:

ClinVar aggregate classification (germline): Uncertain significance. Review status: criteria provided, multiple submitters, no conflicts (2 of 4 stars). 4 submissions from 4 submitters: Uncertain significance (4). Last evaluated 2025-04-24.

Conditions:
Age related macular degeneration 1 (ARMD1). Also called: MACULOPATHY, AGE-RELATED, 1. Identifiers: MedGen C1864205, MONDO:0011285, OMIM 603075.

Allele frequency attached by ClinVar (database versions not stated): ExAC 0.00005; gnomAD 0.00005; gnomAD exomes 0.00006 and 0.00013; TOPMed 0.00006; ESP Exome Variant Server 0.00008; 1000 Genomes Project 30x 0.00016; 1000 Genomes Project 0.00020.
gnomAD v4.1: 192 of 1,597,672 alleles (0.012%); highest among the groups gnomAD compares: Non-Finnish European, 0.016%; no homozygotes.

Submissions (4):

Labcorp Genetics (formerly Invitae), Labcorp
Classification: Uncertain significance. Last evaluated: 2025-04-24. Review status: criteria provided, single submitter. Criteria: Invitae Variant Classification Sherloc (09022015). Collection method: clinical testing. Allele origin: germline.
Comment: This sequence change replaces tyrosine, which is neutral and polar, with cysteine, which is neutral and slightly polar, at codon 658 of the HMCN1 protein (p.Tyr658Cys). This variant is present in population databases (rs370251638, gnomAD 0.01%). This variant has not been reported in the literature in individuals affected with HMCN1-related conditions. ClinVar contains an entry for this variant (Variation ID: 294112). An algorithm developed to predict the effect of missense changes on protein structure and function (PolyPhen-2) suggests that this variant is likely to be disruptive. In summary, the available evidence is currently insufficient to determine the role of this variant in disease. Therefore, it has been classified as a Variant of Uncertain Significance.

Ambry Genetics
Classification: Uncertain significance. Last evaluated: 2024-09-25. Review status: criteria provided, single submitter. Criteria: Ambry Variant Classification Scheme 2023. Collection method: clinical testing. Allele origin: germline.

Genome-Nilou Lab
Classification: Uncertain significance for Age related macular degeneration 1. Last evaluated: 2023-04-11. Review status: criteria provided, single submitter. Criteria: ACMG Guidelines, 2015. Collection method: clinical testing. Allele origin: germline. Affected: no.

Illumina Laboratory Services, Illumina
Classification: Uncertain significance for Age related macular degeneration 1. Last evaluated: 2018-01-13. Review status: criteria provided, single submitter. Criteria: ICSL Variant Classification Criteria 13 December 2019. Collection method: clinical testing. Allele origin: germline.

NM_031935.3(HMCN1):c.1973A>G (p.Tyr658Cys)

Gene: HMCN1 (hemicentin 1; plus strand). Cytogenetic location: 1q31.1.
Variant type: single nucleotide variant.
Coding change: c.1973A>G on transcript NM_031935.3 (MANE Select); coding-DNA position 1973, A replaced by G.
Protein change: p.Tyr658Cys; replaces tyrosine 658 with cysteine.
Molecular consequence: missense variant.
Genome position (GRCh38, 1-based): chr1:185,963,770, A>G. VCF-style: chr1-185963770-A-G. GRCh37 (hg19) VCF-style: chr1-185932902-A-G.
Other names: short protein forms Y658C.
Identifiers: ClinVar variation 294112 (VCV000294112.10), dbSNP rs370251638, ClinGen allele CA1291260.